The following is an entry in ClinVar:

ClinVar aggregate classification (germline): Uncertain significance (1 of 4 stars; one submission).

Submission:

GeneDx
Classification: Uncertain significance. Last evaluated: 2024-11-20. Review status: criteria provided, single submitter. Criteria: GeneDx Variant Classification Process June 2021. Collection method: clinical testing. Allele origin: germline. Affected: yes.
Comment: Not observed at significant frequency in large population cohorts (gnomAD); In silico analysis supports that this missense variant has a deleterious effect on protein structure/function; In silico analysis supports a deleterious effect on splicing; Has not been previously published as pathogenic or benign to our knowledge

NM_001379110.1(SLC9A6):c.1658A>G (p.His553Arg)

Gene: SLC9A6 (solute carrier family 9 member A6; plus strand). Cytogenetic location: Xq26.3.
Variant type: single nucleotide variant.
Coding change: c.1658A>G on transcript NM_001379110.1 (MANE Select); coding-DNA position 1658, A replaced by G.
Protein change: p.His553Arg; replaces histidine 553 with arginine.
Molecular consequence: missense variant.
Genome position (GRCh38, 1-based): chrX:136,033,490, A>G. VCF-style: chrX-136033490-A-G. GRCh37 (hg19) VCF-style: chrX-135115649-A-G.
Other names: c.1724A>G, p.His575Arg (NM_001042537.2); c.1568A>G, p.His523Arg (NM_001177651.2, NM_001400909.1, NM_001400910.1 and 2 more transcripts); c.1472A>G, p.His491Arg (NM_001330652.2, NM_001400913.1); c.1628A>G, p.His543Arg (NM_006359.3); short protein forms H491R, H523R, H543R, H553R, H575R.
Identifiers: ClinVar variation 1706761 (VCV001706761.3), dbSNP rs2521427333, ClinGen allele CA414755531.